The following is an entry in ClinVar:

ClinVar aggregate classification (germline): Uncertain significance (1 of 4 stars; one submission).

Allele frequency attached by ClinVar (database versions not stated): ExAC 0.00003; TOPMed 0.00005; gnomAD 0.00001; gnomAD exomes 0.00002.

Submission:

Labcorp Genetics (formerly Invitae), Labcorp
Classification: Uncertain significance. Last evaluated: 2024-01-22. Review status: criteria provided, single submitter. Criteria: Invitae Variant Classification Sherloc (09022015). Collection method: clinical testing. Allele origin: germline.
Comment: This sequence change replaces valine, which is neutral and non-polar, with methionine, which is neutral and non-polar, at codon 202 of the XYLT2 protein (p.Val202Met). This variant is present in population databases (rs745496860, gnomAD 0.04%). This variant has not been reported in the literature in individuals affected with XYLT2-related conditions. ClinVar contains an entry for this variant (Variation ID: 2056234). Advanced modeling of protein sequence and biophysical properties (such as structural, functional, and spatial information, amino acid conservation, physicochemical variation, residue mobility, and thermodynamic stability) performed at Invitae indicates that this missense variant is not expected to disrupt XYLT2 protein function with a negative predictive value of 80%. In summary, the available evidence is currently insufficient to determine the role of this variant in disease. Therefore, it has been classified as a Variant of Uncertain Significance.

NM_022167.4(XYLT2):c.604G>A (p.Val202Met)

Gene: XYLT2 (xylosyltransferase 2; plus strand). Cytogenetic location: 17q21.33.
Variant type: single nucleotide variant.
Coding change: c.604G>A on transcript NM_022167.4 (MANE Select); coding-DNA position 604, G replaced by A.
Protein change: p.Val202Met; replaces valine 202 with methionine.
Molecular consequence: missense variant.
Genome position (GRCh38, 1-based): chr17:50,354,098, G>A. VCF-style: chr17-50354098-G-A. GRCh37 (hg19) VCF-style: chr17-48431459-G-A.
Other names: short protein forms V202M.
Identifiers: ClinVar variation 2056234 (VCV002056234.3), dbSNP rs745496860, ClinGen allele CA8646193.